The following is an entry in ClinVar:

ClinVar aggregate classification (germline): Uncertain significance (1 of 4 stars; one submission).

Conditions:
Cortical dysplasia-focal epilepsy syndrome (PTHSL1). Also called: Pitt-Hopkins-like syndrome 1. Identifiers: Orphanet 163681, Orphanet 221150, MedGen C2750246, MONDO:0012400, OMIM 610042.

Submission:

Labcorp Genetics (formerly Invitae), Labcorp
Classification: Uncertain significance for Cortical dysplasia-focal epilepsy syndrome. Last evaluated: 2024-04-08. Review status: criteria provided, single submitter. Criteria: Invitae Variant Classification Sherloc (09022015). Collection method: clinical testing. Allele origin: germline.
Comment: This sequence change replaces valine, which is neutral and non-polar, with glutamic acid, which is acidic and polar, at codon 1102 of the CNTNAP2 protein (p.Val1102Glu). This variant is not present in population databases (gnomAD no frequency). This variant has not been reported in the literature in individuals affected with CNTNAP2-related conditions. ClinVar contains an entry for this variant (Variation ID: 2127330). An algorithm developed to predict the effect of missense changes on protein structure and function (PolyPhen-2) suggests that this variant is likely to be disruptive. In summary, the available evidence is currently insufficient to determine the role of this variant in disease. Therefore, it has been classified as a Variant of Uncertain Significance.

NM_014141.6(CNTNAP2):c.3305T>A (p.Val1102Glu)

Gene: CNTNAP2 (contactin associated protein 2; plus strand). Cytogenetic location: 7q36.1.
Variant type: single nucleotide variant.
Coding change: c.3305T>A on transcript NM_014141.6 (MANE Select); coding-DNA position 3305, T replaced by A.
Protein change: p.Val1102Glu; replaces valine 1102 with glutamic acid.
Molecular consequence: missense variant.
Genome position (GRCh38, 1-based): chr7:148,229,703, T>A. VCF-style: chr7-148229703-T-A. GRCh37 (hg19) VCF-style: chr7-147926795-T-A.
Other names: short protein forms V1102E.
Identifiers: ClinVar variation 2127330 (VCV002127330.4), dbSNP rs111599875, ClinGen allele CA369929679.
Genomic context (GRCh38, chr7:148,229,703, plus strand): 5'-TAGGAAGCTTACAGATTCGATACAACCTGGGTGGCACCCGAGAGCCATACAATATTGACG[T>A]AGACCACAGGAACATGGCCAATGGACAGCCCCACAGTGTCAACATCACCCGCCACGAGAA-3'
Protein context (NP_054860.1, residues 1092-1112): GGTREPYNID[Val1102Glu]DHRNMANGQP